The following is an entry in ClinVar:

ClinVar aggregate classification (germline): Likely benign. Review status: criteria provided, multiple submitters, no conflicts (2 of 4 stars). 6 submissions from 6 submitters: Likely benign (5). 1 of the submissions does not count toward it. Last evaluated 2026-01-29.

Conditions:
ARSG-related disorder. Also called: ARSG-related condition.

Allele frequency attached by ClinVar (database versions not stated): 1000 Genomes Project 0.00040; gnomAD exomes 0.00255 and 0.00310; ExAC 0.00285; gnomAD 0.00237 and 0.00245; TOPMed 0.00230; 1000 Genomes Project 30x 0.00062; ESP Exome Variant Server 0.00238.
gnomAD v4.1: 4,845 of 1,614,120 alleles (0.3%); highest among the groups gnomAD compares: Non-Finnish European, 0.36%; 11 homozygotes.

Submissions (6):

Labcorp Genetics (formerly Invitae), Labcorp
Classification: Likely benign. Last evaluated: 2026-01-29. Review status: criteria provided, single submitter. Criteria: Invitae Variant Classification Sherloc (09022015). Collection method: clinical testing. Allele origin: germline.

Mayo Clinic Laboratories, Mayo Clinic
Classification: Likely benign. Last evaluated: 2024-11-27. Review status: criteria provided, single submitter. Criteria: ACMG Guidelines, 2015. Collection method: clinical testing. Allele origin: germline. Observed: 2 variant alleles.
Comment: BS1

Blueprint Genetics
Classification: Likely benign. Last evaluated: 2024-11-23. Review status: criteria provided, single submitter. Criteria: ACMG Guidelines, 2015. Collection method: clinical testing. Allele origin: germline.

CeGaT Center for Human Genetics Tuebingen
Classification: Likely benign. Last evaluated: 2022-11-01. Review status: criteria provided, single submitter. Criteria: CeGaT Center For Human Genetics Tuebingen Variant Classification Criteria Version 2. Collection method: clinical testing. Allele origin: germline. Affected: yes. Observed: 1 variant allele.
Comment: ARSG: BP4

Breakthrough Genomics
Classification: Likely benign. Review status: criteria provided, single submitter. Criteria: ACMG Guidelines, 2015. Collection method: not provided. Allele origin: germline. Inheritance: Autosomal recessive inheritance. Affected: yes.

PreventionGenetics, part of Exact Sciences
Classification: Likely benign for ARSG-related condition. Last evaluated: 2019-09-30. Review status: no assertion criteria provided. Collection method: clinical testing. Allele origin: germline. Not counted in ClinVar's aggregate classification.
Comment: This variant is classified as likely benign based on ACMG/AMP sequence variant interpretation guidelines (Richards et al. 2015 PMID: 25741868, with internal and published modifications).

NM_001267727.2(ARSG):c.1478T>C (p.Ile493Thr)

Genes: ARSG (arylsulfatase G; plus strand), PRKAR1A (protein kinase cAMP-dependent type I regulatory subunit alpha; plus strand). Cytogenetic location: 17q24.2.
Variant type: single nucleotide variant.
Coding change: c.1478T>C on transcript NM_001267727.2 (MANE Select); coding-DNA position 1478, T replaced by C.
Protein change: p.Ile493Thr; replaces isoleucine 493 with threonine.
Molecular consequence: missense variant. On other transcripts: intron variant (3).
Genome position (GRCh38, 1-based): chr17:68,420,363, T>C. VCF-style: chr17-68420363-T-C. GRCh37 (hg19) VCF-style: chr17-66416504-T-C.
Other names: p.Ile493Thr; c.1478T>C, p.Ile493Thr (NM_001352899.2, NM_001352900.2, NM_001352901.2 and 2 more transcripts); c.1475T>C, p.Ile492Thr (NM_001352903.2, NM_001352904.2, NM_001352905.2 and 2 more transcripts); c.1303+18913T>C (NM_001352910.2); c.1255+18913T>C (NM_001352909.2); c.-7+6568T>C (NM_001278433.2); short protein forms I492T, I493T.
Identifiers: ClinVar variation 731552 (VCV000731552.36), dbSNP rs61999318, ClinGen allele CA8728587.
Genomic context (GRCh38, chr17:68,420,363, plus strand): 5'-CGGAGTACCAGGCTGTGCTGCCCGAGGTCAGAAAGGTTCTTGCAGACGTCCTCCAAGACA[T>C]TGCCAACGACAACATCTCCAGCGCAGATTACACTCAGGACCCTTCAGTAACTCCCTGCTG-3'
Protein context (NP_001254656.1, residues 483-503): RKVLADVLQD[Ile493Thr]ANDNISSADY